The following is an entry in ClinVar:

NM_000553.6(WRN):c.4288C>G (p.Leu1430Val)

Genes: WRN (WRN RecQ like helicase; plus strand), LOC126860342 (MED14-independent group 3 enhancer GRCh37_chr8:31029565-31030764; plus strand). Cytogenetic location: 8p12.
Variant type: single nucleotide variant.
Coding change: c.4288C>G on transcript NM_000553.6 (MANE Select); coding-DNA position 4288, C replaced by G.
Protein change: p.Leu1430Val; replaces leucine 1430 with valine.
Molecular consequence: missense variant.
Genome position (GRCh38, 1-based): chr8:31,173,091, C>G. VCF-style: chr8-31173091-C-G. GRCh37 (hg19) VCF-style: chr8-31030607-C-G.
Other names: short protein forms L1430V.
Identifiers: ClinVar variation 2881431 (VCV002881431.3), dbSNP rs935299300, ClinGen allele CA174889577.
Genomic context (GRCh38, chr8:31,173,091, plus strand): 5'-TGGTTTGCCAAAGGAAGTGATACCAGCAAGAAATTAATGGACAAAACGAAAAGGGGAGGT[C>G]TTTTTAGTTAAGCTGGCAATTACCAGAACAATTATGTTTCTTGCTGTATTATAAGAGGAT-3'
Protein context (NP_000544.2, residues 1420-1432): KLMDKTKRGG[Leu1430Val]FS

ClinVar aggregate classification (germline): Uncertain significance (1 of 4 stars; one submission).

Conditions:
Werner syndrome (WRN). Identifiers: Orphanet 902, MedGen C0043119, MONDO:0010196, OMIM 277700.

Allele frequency attached by ClinVar (database versions not stated): gnomAD exomes below 0.00001; gnomAD 0.00002; TOPMed 0.00002.
gnomAD v4.1: 10 of 1,613,598 alleles (0.00062%); highest among the groups gnomAD compares: Admixed American, 0.01%; no homozygotes.

Submission:

Labcorp Genetics (formerly Invitae), Labcorp
Classification: Uncertain significance for Werner syndrome. Last evaluated: 2023-11-14. Review status: criteria provided, single submitter. Criteria: Invitae Variant Classification Sherloc (09022015). Collection method: clinical testing. Allele origin: germline.
Comment: This sequence change replaces leucine, which is neutral and non-polar, with valine, which is neutral and non-polar, at codon 1430 of the WRN protein (p.Leu1430Val). This variant is present in population databases (no rsID available, gnomAD 0.007%). This variant has not been reported in the literature in individuals affected with WRN-related conditions. An algorithm developed to predict the effect of missense changes on protein structure and function (PolyPhen-2) suggests that this variant is likely to be disruptive. In summary, the available evidence is currently insufficient to determine the role of this variant in disease. Therefore, it has been classified as a Variant of Uncertain Significance.